The following is an entry in ClinVar:

ClinVar aggregate classification (germline): Uncertain significance. Review status: criteria provided, multiple submitters, no conflicts (2 of 4 stars). 5 submissions from 4 submitters: Uncertain significance (5). Last evaluated 2026-02-09.

Conditions:
MYPN-related myopathy (CMYO24). Also called: Nemaline myopathy 11, autosomal recessive. Identifiers: MedGen C4479186, MONDO:0015023, OMIM 617336.
Cardiovascular phenotype. Identifiers: MedGen CN230736.
Dilated cardiomyopathy 1KK (CMD1KK). Identifiers: Orphanet 154, Orphanet 75249, MedGen C3714995, MONDO:0014100, OMIM 615248.

Allele frequency attached by ClinVar (database versions not stated): gnomAD 0.00001; TOPMed 0.00001; ExAC 0.00002; gnomAD exomes 0.00002; 1000 Genomes Project 30x 0.00016; 1000 Genomes Project 0.00020.
gnomAD v4.1: 12 of 1,614,024 alleles (0.00074%); highest among the groups gnomAD compares: East Asian, 0.027%; no homozygotes.

Submissions (5):

Ambry Genetics
Classification: Uncertain significance for Cardiovascular phenotype. Last evaluated: 2026-02-09. Review status: criteria provided, single submitter. Criteria: Ambry Variant Classification Scheme 2023. Collection method: clinical testing. Allele origin: germline.
Comment: The p.S684C variant (also known as c.2051C>G), located in coding exon 10 of the MYPN gene, results from a C to G substitution at nucleotide position 2051. The serine at codon 684 is replaced by cysteine, an amino acid with dissimilar properties. This variant was reported in individual(s) with features consistent with dilated cardiomyopathy (DCM) (Mazzarotto F et al. Circulation, 2020 Feb;141:387-398). This amino acid position is well conserved in available vertebrate species. In addition, this alteration is predicted to be tolerated by in silico analysis. Based on the available evidence, the clinical significance of this variant remains unclear.

Baylor Genetics
Classification: Uncertain significance for MYPN-related myopathy. Last evaluated: 2023-01-09. Review status: criteria provided, single submitter. Criteria: ACMG Guidelines, 2015. Collection method: clinical testing. Allele origin: unknown.

Baylor Genetics
Classification: Uncertain significance for Dilated cardiomyopathy 1KK. Last evaluated: 2023-01-09. Review status: criteria provided, single submitter. Criteria: ACMG Guidelines, 2015. Collection method: clinical testing. Allele origin: unknown.

GeneDx
Classification: Uncertain significance. Last evaluated: 2022-10-04. Review status: criteria provided, single submitter. Criteria: GeneDx Variant Classification Process June 2021. Collection method: clinical testing. Allele origin: germline. Affected: yes.
Comment: In silico analysis supports that this missense variant does not alter protein structure/function; This variant is associated with the following publications: (PMID: 31983221)

Labcorp Genetics (formerly Invitae), Labcorp
Classification: Uncertain significance for Dilated cardiomyopathy 1KK. Last evaluated: 2022-04-17. Review status: criteria provided, single submitter. Criteria: Invitae Variant Classification Sherloc (09022015). Collection method: clinical testing. Allele origin: germline.
Comment: This sequence change replaces serine, which is neutral and polar, with cysteine, which is neutral and slightly polar, at codon 684 of the MYPN protein (p.Ser684Cys). This variant is present in population databases (rs577089308, gnomAD 0.02%). This missense change has been observed in individual(s) with dilated cardiomyopathy (PMID: 31983221). ClinVar contains an entry for this variant (Variation ID: 842785). Algorithms developed to predict the effect of missense changes on protein structure and function are either unavailable or do not agree on the potential impact of this missense change (SIFT: "Deleterious"; PolyPhen-2: "Possibly Damaging"; Align-GVGD: "Class C0"). In summary, the available evidence is currently insufficient to determine the role of this variant in disease. Therefore, it has been classified as a Variant of Uncertain Significance.

Literature cited by the submitters: PubMed 31983221 (cited by Ambry Genetics and Labcorp Genetics (formerly Invitae), Labcorp).

NM_032578.4(MYPN):c.2051C>G (p.Ser684Cys)

Gene: MYPN (myopalladin; plus strand). Cytogenetic location: 10q21.3.
Variant type: single nucleotide variant.
Coding change: c.2051C>G on transcript NM_032578.4 (MANE Select); coding-DNA position 2051, C replaced by G.
Protein change: p.Ser684Cys; replaces serine 684 with cysteine.
Molecular consequence: missense variant. On other transcripts: non-coding transcript variant (2).
Genome position (GRCh38, 1-based): chr10:68,174,143, C>G. VCF-style: chr10-68174143-C-G. GRCh37 (hg19) VCF-style: chr10-69933900-C-G.
Other names: c.2051C>G, p.Ser684Cys (NM_001256267.2); c.1169C>G, p.Ser390Cys (NM_001256268.2); c.2051C>G (NM_032578.2); short protein forms S390C, S684C.
Identifiers: ClinVar variation 842785 (VCV000842785.7), dbSNP rs577089308, ClinGen allele CA5522721.